The following is an entry in ClinVar:

NM_018979.4(WNK1):c.5354C>T (p.Ser1785Phe)

Gene: WNK1 (WNK lysine deficient protein kinase 1; plus strand). Cytogenetic location: 12p13.33.
Variant type: single nucleotide variant.
Coding change: c.5354C>T on transcript NM_018979.4 (MANE Select); coding-DNA position 5354, C replaced by T.
Protein change: p.Ser1785Phe; replaces serine 1785 with phenylalanine.
Molecular consequence: missense variant.
Genome position (GRCh38, 1-based): chr12:887,294, C>T. VCF-style: chr12-887294-C-T. GRCh37 (hg19) VCF-style: chr12-996460-C-T.
Other names: c.6134C>T, p.Ser2045Phe (NM_001184985.2); c.4613C>T, p.Ser1538Phe (NM_014823.3); c.6110C>T, p.Ser2037Phe (NM_213655.5); short protein forms S1785F, S2037F, S1538F, S2045F.
Identifiers: ClinVar variation 2952366 (VCV002952366.3), dbSNP rs763377952, ClinGen allele CA383333140.

ClinVar aggregate classification (germline): Uncertain significance (1 of 4 stars; one submission).

Conditions:
Neuropathy, hereditary sensory and autonomic, type 2A (HSAN2A). Also called: HSAN IIA; WNK1-Related HSAN2 (HSAN2A); ACROOSTEOLYSIS, GIACCAI TYPE; ACROOSTEOLYSIS, NEUROGENIC; MORVAN DISEASE; NEUROPATHY, CONGENITAL SENSORY. Identifiers: Orphanet 970, MedGen C2752089, MONDO:0024309, OMIM 201300.
Pseudohypoaldosteronism type 2C (PHA2C). Also called: Pseudohypoaldosteronism Type IIC. Identifiers: Orphanet 757, Orphanet 88940, MedGen C1840391, MONDO:0013778, OMIM 614492.

Allele frequency attached by ClinVar (database versions not stated): gnomAD 0.00001.
gnomAD v4.1: 4 of 1,614,082 alleles (0.00025%); highest among the groups gnomAD compares: African/African-American, 0.004%; no homozygotes.

Submission:

Labcorp Genetics (formerly Invitae), Labcorp
Classification: Uncertain significance for Neuropathy, hereditary sensory and autonomic, type 2A; Pseudohypoaldosteronism type 2C. Last evaluated: 2023-09-29. Review status: criteria provided, single submitter. Criteria: Invitae Variant Classification Sherloc (09022015). Collection method: clinical testing. Allele origin: germline.
Comment: This sequence change replaces serine, which is neutral and polar, with phenylalanine, which is neutral and non-polar, at codon 2037 of the WNK1 protein (p.Ser2037Phe). This variant is present in population databases (no rsID available, gnomAD 0.007%). This variant has not been reported in the literature in individuals affected with WNK1-related conditions. Advanced modeling of protein sequence and biophysical properties (such as structural, functional, and spatial information, amino acid conservation, physicochemical variation, residue mobility, and thermodynamic stability) performed at Invitae indicates that this missense variant is not expected to disrupt WNK1 protein function. In summary, the available evidence is currently insufficient to determine the role of this variant in disease. Therefore, it has been classified as a Variant of Uncertain Significance.